The following is an entry in ClinVar:

NM_001277115.2(DNAH11):c.13494C>T (p.Ser4498=)

Genes: CDCA7L (cell division cycle associated 7 like; minus strand), DNAH11 (dynein axonemal heavy chain 11; plus strand). Cytogenetic location: 7p15.3.
Variant type: single nucleotide variant.
Coding change: c.13494C>T on transcript NM_001277115.2 (MANE Select); coding-DNA position 13494, C replaced by T.
Protein change: p.Ser4498=; no amino-acid change (serine 4498 retained).
Molecular consequence: synonymous variant. On other transcripts: 3 prime UTR variant (3).
Genome position (GRCh38, 1-based): chr7:21,901,197, C>T. VCF-style: chr7-21901197-C-T. GRCh37 (hg19) VCF-style: chr7-21940815-C-T.
Other names: c.*1125G>A (NM_001127370.3, NM_001127371.3, NM_018719.5).
Identifiers: ClinVar variation 695364 (VCV000695364.34), dbSNP rs368269718, ClinGen allele CA4183506.

ClinVar aggregate classification (germline): Likely benign. Review status: criteria provided, multiple submitters, no conflicts (2 of 4 stars). 3 submissions from 3 submitters: Likely benign (3). Last evaluated 2025-12-29.

Conditions:
DNAH11-related disorder. Also called: DNAH11-related condition.
Primary ciliary dyskinesia. Also called: Ciliary dyskinesia. Identifiers: Orphanet 244, MedGen C0008780, MONDO:0016575, HP:0012265.

Allele frequency attached by ClinVar (database versions not stated): gnomAD 0.00006; TOPMed 0.00013; gnomAD exomes 0.00018 and 0.00034; ExAC 0.00021; 1000 Genomes Project 30x 0.00031; ESP Exome Variant Server 0.00033; 1000 Genomes Project 0.00040.
gnomAD v4.1: 328 of 1,613,566 alleles (0.02%); highest among the groups gnomAD compares: South Asian, 0.029%; no homozygotes.

Submissions (3):

Labcorp Genetics (formerly Invitae), Labcorp
Classification: Likely benign for Primary ciliary dyskinesia. Last evaluated: 2025-12-29. Review status: criteria provided, single submitter. Criteria: Invitae Variant Classification Sherloc (09022015). Collection method: clinical testing. Allele origin: germline.

PreventionGenetics, part of Exact Sciences
Classification: Likely benign for DNAH11-related condition. Last evaluated: 2025-08-13. Review status: criteria provided, single submitter. Criteria: ACMG Guidelines, 2015. Collection method: clinical testing. Allele origin: germline.
Comment: This variant is classified as likely benign based on ACMG/AMP sequence variant interpretation guidelines (Richards et al. 2015 PMID: 25741868, with internal and published modifications).

CeGaT Center for Human Genetics Tuebingen
Classification: Likely benign. Last evaluated: 2024-06-01. Review status: criteria provided, single submitter. Criteria: CeGaT Center For Human Genetics Tuebingen Variant Classification Criteria Version 2. Collection method: clinical testing. Allele origin: germline. Affected: yes. Observed: 5 variant alleles.
Comment: DNAH11: BP4